The following is an entry in ClinVar:

NM_002907.4(RECQL):c.1565A>G (p.Lys522Arg)

Gene: RECQL (RecQ like helicase; minus strand). Cytogenetic location: 12p12.1.
Variant type: single nucleotide variant.
Coding change: c.1565A>G on transcript NM_002907.4 (MANE Select); coding-DNA position 1565, A replaced by G.
Protein change: p.Lys522Arg; replaces lysine 522 with arginine.
Molecular consequence: missense variant.
Genome position (GRCh38, 1-based): chr12:21,471,530, T>C on the plus strand (A>G on the coding strand, the complement: RECQL is on the minus strand). VCF-style: chr12-21471530-T-C. GRCh37 (hg19) VCF-style: chr12-21624464-T-C.
Other names: c.1565A>G, p.Lys522Arg (NM_032941.3); short protein forms K522R.
Identifiers: ClinVar variation 3222939 (VCV003222939.1), dbSNP rs2540321234, ClinGen allele CA384116136.

ClinVar aggregate classification (germline): Uncertain significance (1 of 4 stars; one submission).

Submission:

Ambry Genetics
Classification: Uncertain significance. Last evaluated: 2024-01-03. Review status: criteria provided, single submitter. Criteria: Ambry Variant Classification Scheme 2023. Collection method: clinical testing. Allele origin: germline.
Comment: The p.K522R variant (also known as c.1565A>G), located in coding exon 12 of the RECQL gene, results from an A to G substitution at nucleotide position 1565. The lysine at codon 522 is replaced by arginine, an amino acid with highly similar properties. This amino acid position is conserved. In addition, this alteration is predicted to be tolerated by in silico analysis. Since supporting evidence is limited at this time, the clinical significance of this alteration remains unclear.